The following is an entry in ClinVar:

ClinVar aggregate classification (germline): Conflicting classifications of pathogenicity. Review status: criteria provided, conflicting classifications (1 of 4 stars). 3 submissions from 3 submitters: Pathogenic (1); Uncertain significance (1). 1 of the submissions does not count toward it. Last evaluated 2025-06-01.

Conditions:
Familial cystic renal disease. Identifiers: Orphanet 93587, MedGen C5680285, MONDO:0019741.
Polycystic liver disease 3 with or without kidney cysts. Identifiers: MedGen C4693472, MONDO:0054743, OMIM 617874.

Allele frequency attached by ClinVar (database versions not stated): gnomAD 0.00013 and 0.00016; ExAC 0.00016; gnomAD exomes 0.00024 and 0.00026.
gnomAD v4.1: 168 of 1,613,992 alleles (0.01%); highest among the groups gnomAD compares: Non-Finnish European, 0.00085%; no homozygotes.

Submissions (3):

Mayo Translational Polycystic Kidney Disease Center, Mayo Clinic
Classification: Pathogenic for Familial cystic renal disease. Last evaluated: 2025-06-01. Review status: criteria provided, single submitter. Criteria: ACMG Guidelines, 2015. Collection method: research. Allele origin: germline. Inheritance: Autosomal dominant inheritance. Affected: yes.
Comment: The c.1038+1G>T variant in the ALG8 gene affects the invariant splice donor site of intron 10, a position critical for normal mRNA splicing. Alterations at this position are predicted to disrupt canonical splicing, likely resulting in aberrant transcripts and subsequent loss of function of the ALG8 protein. This variant has been previously reported in a patient with autosomal dominant polycystic liver disease (Besse et al., 2017), supporting its clinical relevance. Given that loss-of-function (LoF) is an established disease mechanism for ALG8-associated disorders, this variant satisfies PVS1. Additionally, it is extremely rare in population databases (allele frequency <0.01% in gnomAD v4.1.0), supporting PM2. Based on this evidence, the variant is classified as pathogenic.

MVZ Martinsried, Medicover Genetics
Classification: Uncertain significance for Polycystic liver disease 3 with or without kidney cysts. Last evaluated: 2023-09-19. Review status: criteria provided, single submitter. Criteria: ACGS Guidelines, 2020. Collection method: clinical testing. Allele origin: unknown. Affected: yes.

OMIM
Classification: Pathogenic for POLYCYSTIC LIVER DISEASE 3 WITHOUT KIDNEY CYSTS. Last evaluated: 2018-02-21. Review status: flagged submission. Collection method: literature only. Allele origin: germline. Not counted in ClinVar's aggregate classification.
ClinVar note: Notes: Flagging candidate with reason of insufficient supporting evidence. This gene has been classified as having a limited gene-disease relationship by a ClinGen Expert Panel.
ClinVar note: Reason: Other

Literature cited by the submitters: PubMed 39899384 (cited by Mayo Translational Polycystic Kidney Disease Center, Mayo Clinic); PubMed 28375157 (cited by Mayo Translational Polycystic Kidney Disease Center, Mayo Clinic and OMIM).

NM_024079.5(ALG8):c.1038+1G>T

Gene: ALG8 (ALG8 alpha-1,3-glucosyltransferase; minus strand). Cytogenetic location: 11q14.1.
Variant type: single nucleotide variant.
Coding change: c.1038+1G>T on transcript NM_024079.5 (MANE Select); the canonical splice donor site of the intron after coding-DNA position 1038, G replaced by T.
Molecular consequence: splice donor variant.
Genome position (GRCh38, 1-based): chr11:78,109,441, C>A on the plus strand (G>T on the coding strand, the complement: ALG8 is on the minus strand). VCF-style: chr11-78109441-C-A. GRCh37 (hg19) VCF-style: chr11-77820487-C-A.
Other names: IVS10DS, G-T, +1; c.1038+1G>T (NM_001007027.3).
Identifiers: ClinVar variation 492976 (VCV000492976.3), dbSNP rs202112771, ClinGen allele CA6203247.
Genomic context (GRCh38, chr11:78,109,441, plus strand): 5'-AGCCAGACAAAAGAAAAGCAGAGAAAACTCAAGAAATGAGCACCATCTGTTGAGTTCTTA[C>A]CAATATGGCAATCAGTGTGCAGATGAGGGTTGCCAAGGGAGTCACTGAGGGAAGGACTGT-3'